The following is an entry in ClinVar:

ClinVar aggregate classification (germline): Uncertain significance. Review status: criteria provided, multiple submitters, no conflicts (2 of 4 stars). 2 submissions from 2 submitters: Uncertain significance (2). Last evaluated 2024-03-07.

Conditions:
Charcot-Marie-Tooth disease type 4. Also called: Charcot-Marie-Tooth disease, type IV; Charcot-Marie-Tooth, Type 4. Identifiers: Orphanet 64749, MedGen C4082197, MONDO:0018995.
Inborn genetic diseases. Identifiers: MedGen C0950123, MeSH D030342.

Allele frequency attached by ClinVar (database versions not stated): gnomAD 0.00001; gnomAD exomes below 0.00001; TOPMed below 0.00001.
gnomAD v4.1: 2 of 1,613,944 alleles (0.00012%); highest among the groups gnomAD compares: Non-Finnish European, 0.00017%; no homozygotes.

Submissions (2):

Ambry Genetics
Classification: Uncertain significance for Inborn genetic diseases. Last evaluated: 2024-03-07. Review status: criteria provided, single submitter. Criteria: Ambry Variant Classification Scheme 2023. Collection method: clinical testing. Allele origin: germline.

Labcorp Genetics (formerly Invitae), Labcorp
Classification: Uncertain significance for Charcot-Marie-Tooth disease type 4. Last evaluated: 2022-05-01. Review status: criteria provided, single submitter. Criteria: Invitae Variant Classification Sherloc (09022015). Collection method: clinical testing. Allele origin: germline.
Comment: This sequence change replaces aspartic acid, which is acidic and polar, with glutamic acid, which is acidic and polar, at codon 445 of the SH3TC2 protein (p.Asp445Glu). This variant is not present in population databases (gnomAD no frequency). This variant has not been reported in the literature in individuals affected with SH3TC2-related conditions. ClinVar contains an entry for this variant (Variation ID: 845952). Advanced modeling of protein sequence and biophysical properties (such as structural, functional, and spatial information, amino acid conservation, physicochemical variation, residue mobility, and thermodynamic stability) performed at Invitae indicates that this missense variant is not expected to disrupt SH3TC2 protein function. In summary, the available evidence is currently insufficient to determine the role of this variant in disease. Therefore, it has been classified as a Variant of Uncertain Significance.

NM_024577.4(SH3TC2):c.1335T>G (p.Asp445Glu)

Gene: SH3TC2 (SH3 domain and tetratricopeptide repeats 2; minus strand). Cytogenetic location: 5q32.
Variant type: single nucleotide variant.
Coding change: c.1335T>G on transcript NM_024577.4 (MANE Select); coding-DNA position 1335, T replaced by G.
Protein change: p.Asp445Glu; replaces aspartic acid 445 with glutamic acid.
Molecular consequence: missense variant.
Genome position (GRCh38, 1-based): chr5:149,028,397, A>C on the plus strand (T>G on the coding strand, the complement: SH3TC2 is on the minus strand). VCF-style: chr5-149028397-A-C. GRCh37 (hg19) VCF-style: chr5-148407960-A-C.
Other names: short protein forms D445E.
Identifiers: ClinVar variation 845952 (VCV000845952.7), dbSNP rs1234203055, ClinGen allele CA361669100.